The following is an entry in ClinVar:

ClinVar aggregate classification (germline): Uncertain significance (1 of 4 stars; one submission).

Submission:

GeneDx
Classification: Uncertain significance. Last evaluated: 2023-10-20. Review status: criteria provided, single submitter. Criteria: GeneDx Variant Classification Process June 2021. Collection method: clinical testing. Allele origin: germline. Affected: yes.
Comment: Not observed at significant frequency in large population cohorts (gnomAD); In silico analysis supports that this variant does not alter splicing; Has not been previously published as pathogenic or benign to our knowledge

NM_001079668.3(NKX2-1):c.558G>A (p.Leu186=)

Genes: NKX2-1 (NK2 homeobox 1; minus strand), SFTA3 (surfactant associated 3; minus strand). Cytogenetic location: 14q13.3.
Variant type: single nucleotide variant.
Coding change: c.558G>A on transcript NM_001079668.3 (MANE Select); coding-DNA position 558, G replaced by A.
Protein change: p.Leu186=; no amino-acid change (leucine 186 retained).
Molecular consequence: synonymous variant.
Genome position (GRCh38, 1-based): chr14:36,517,926, C>T on the plus strand (G>A on the coding strand, the complement: NKX2-1 is on the minus strand). VCF-style: chr14-36517926-C-T. GRCh37 (hg19) VCF-style: chr14-36987131-C-T.
Other names: c.468G>A, p.Leu156= (NM_003317.4).
Identifiers: ClinVar variation 3363285 (VCV003363285.1).